The following is an entry in ClinVar:

ClinVar aggregate classification (germline): Uncertain significance (1 of 4 stars; one submission).

gnomAD v4.1: 2 of 1,551,646 alleles (0.00013%); highest among the groups gnomAD compares: South Asian, 0.0024%; no homozygotes.

Submission:

GeneDx
Classification: Uncertain significance. Last evaluated: 2025-05-15. Review status: criteria provided, single submitter. Criteria: GeneDx Variant Classification Process June 2021. Collection method: clinical testing. Allele origin: germline. Affected: yes.
Comment: Not observed at significant frequency in large population cohorts (gnomAD); In silico analysis supports that this missense variant has a deleterious effect on protein structure/function; Has not been previously published as pathogenic or benign to our knowledge

NM_020928.2(ZSWIM6):c.2223G>T (p.Lys741Asn)

Gene: ZSWIM6 (zinc finger SWIM-type containing 6; plus strand). Cytogenetic location: 5q12.1.
Variant type: single nucleotide variant.
Coding change: c.2223G>T on transcript NM_020928.2 (MANE Select); coding-DNA position 2223, G replaced by T.
Protein change: p.Lys741Asn; replaces lysine 741 with asparagine.
Molecular consequence: missense variant.
Genome position (GRCh38, 1-based): chr5:61,531,703, G>T. VCF-style: chr5-61531703-G-T. GRCh37 (hg19) VCF-style: chr5-60827530-G-T.
Other names: short protein forms K741N.
Identifiers: ClinVar variation 4529918 (VCV004529918.1).